The following is an entry in ClinVar:

NM_004304.5(ALK):c.3594C>T (p.Leu1198=)

Gene: ALK (ALK receptor tyrosine kinase; minus strand). Cytogenetic location: 2p23.2.
Variant type: single nucleotide variant.
Coding change: c.3594C>T on transcript NM_004304.5 (MANE Select); coding-DNA position 3594, C replaced by T.
Protein change: p.Leu1198=; no amino-acid change (leucine 1198 retained).
Molecular consequence: synonymous variant.
Genome position (GRCh38, 1-based): chr2:29,220,757, G>A on the plus strand (C>T on the coding strand, the complement: ALK is on the minus strand). VCF-style: chr2-29220757-G-A. GRCh37 (hg19) VCF-style: chr2-29443623-G-A.
Other names: c.390C>T, p.Leu130= (NM_001353765.2).
Identifiers: ClinVar variation 239824 (VCV000239824.76), dbSNP rs56071005, ClinGen allele CA1593856.

ClinVar aggregate classification (germline): Benign/Likely benign. Review status: criteria provided, multiple submitters, no conflicts (2 of 4 stars). 16 submissions from 16 submitters: Benign (6); Likely benign (4). 6 of the submissions do not count toward it. Last evaluated 2026-04-01.

Conditions:
Hereditary cancer-predisposing syndrome. Also called: Tumor predisposition; Hereditary Cancer Syndrome; Neoplastic Syndromes, Hereditary; Hereditary neoplastic syndrome. Identifiers: Orphanet 140162, MedGen C0027672, MeSH D009386, MONDO:0015356.
ALK-related disorder. Also called: ALK-related condition.
Neuroblastoma, susceptibility to, 3. Also called: ALK-Related Neuroblastic Tumor Susceptibility. Identifiers: Orphanet 635, MedGen C2751681, MONDO:0013083, OMIM 613014.

Allele frequency attached by ClinVar (database versions not stated): 1000 Genomes Project 0.00080; 1000 Genomes Project 30x 0.00094; gnomAD exomes 0.00137 and 0.00257; ExAC 0.00138; TOPMed 0.00148; gnomAD 0.00159 and 0.00166; ESP Exome Variant Server 0.00284.
gnomAD v4.1: 3,938 of 1,614,006 alleles (0.24%); highest among the groups gnomAD compares: Non-Finnish European, 0.31%; 12 homozygotes.

Submissions (16):

CeGaT Center for Human Genetics Tuebingen
Classification: Likely benign. Last evaluated: 2026-04-01. Review status: criteria provided, single submitter. Criteria: CeGaT Center For Human Genetics Tuebingen Variant Classification Criteria Version 2. Collection method: clinical testing. Allele origin: germline. Affected: yes. Observed: 18 variant alleles.
Comment: ALK: BP4, BP7

Labcorp Genetics (formerly Invitae), Labcorp
Classification: Benign for Neuroblastoma, susceptibility to, 3. Last evaluated: 2026-02-03. Review status: criteria provided, single submitter. Criteria: Invitae Variant Classification Sherloc (09022015). Collection method: clinical testing. Allele origin: germline.

KCCC/NGS Laboratory, Kuwait Cancer Control Center
Classification: Benign for Neuroblastoma, susceptibility to, 3. Last evaluated: 2025-02-01. Review status: criteria provided, single submitter. Criteria: ACMG Guidelines, 2015. Collection method: clinical testing. Allele origin: germline. Affected: no.

Blueprint Genetics
Classification: Likely benign. Last evaluated: 2024-11-18. Review status: criteria provided, single submitter. Criteria: ACMG Guidelines, 2015. Collection method: clinical testing. Allele origin: germline.

ARUP Laboratories, Molecular Genetics and Genomics, ARUP Laboratories
Classification: Benign for Neuroblastoma, susceptibility to, 3. Last evaluated: 2023-11-09. Review status: criteria provided, single submitter. Criteria: ARUP Molecular Germline Variant Investigation Process 2024. Collection method: clinical testing. Allele origin: germline.

Sema4
Classification: Benign for Hereditary cancer-predisposing syndrome. Last evaluated: 2020-12-28. Review status: criteria provided, single submitter. Criteria: Sema4 Curation Guidelines. Collection method: curation. Allele origin: germline.

GeneDx
Classification: Likely benign. Last evaluated: 2020-12-01. Review status: criteria provided, single submitter. Criteria: GeneDx Variant Classification Process June 2021. Collection method: clinical testing. Allele origin: germline. Affected: yes.

Women's Health and Genetics/Laboratory Corporation of America, LabCorp
Classification: Benign. Last evaluated: 2018-12-04. Review status: criteria provided, single submitter. Criteria: LabCorp Variant Classification Summary - May 2015. Collection method: clinical testing. Allele origin: germline.
Comment: Variant summary: ALK c.3594C>T alters a non-conserved nucleotide resulting in a synonymous change. 5/5 computational tools predict no significant impact on normal splicing. However, these predictions have yet to be confirmed by functional studies. The variant allele was found at a frequency of 0.0014 in 276838 control chromosomes in the gnomAD database, including 3 homozygotes. The observed variant frequency is approximately 3355.03 fold of the estimated maximal expected allele frequency for a pathogenic variant in ALK causing Neuroblastoma, Susceptibility Type 3 phenotype (4.2e-07), strongly suggesting that the variant is benign. To our knowledge, no occurrence of c.3594C>T in individuals affected with Neuroblastoma, Susceptibility Type 3 and no experimental evidence demonstrating its impact on protein function have been reported. Six clinical diagnostic laboratories have submitted clinical-significance assessments for this variant to ClinVar after 2014 without evidence for independent evaluation. All laboratories classified the variant as benign/likely benign. Based on the evidence outlined above, the variant was classified as benign.

Illumina Laboratory Services, Illumina
Classification: Benign for Neuroblastoma, susceptibility to, 3. Last evaluated: 2018-01-13. Review status: criteria provided, single submitter. Criteria: ICSL Variant Classification Criteria 13 December 2019. Collection method: clinical testing. Allele origin: germline.
Comment: This variant was observed in the ICSL laboratory as part of a predisposition screen in an ostensibly healthy population. It had not been previously curated by ICSL or reported in the Human Gene Mutation Database (HGMD: prior to June 1st, 2018), and was therefore a candidate for classification through an automated scoring system. Utilizing variant allele frequency, disease prevalence and penetrance estimates, and inheritance mode, an automated score was calculated to assess if this variant is too frequent to cause the disease. Based on the score and internal cut-off values, a variant classified as benign is not then subjected to further curation. The score for this variant resulted in a classification of benign for this disease.

Ambry Genetics
Classification: Likely benign for Hereditary cancer-predisposing syndrome. Last evaluated: 2016-11-23. Review status: criteria provided, single submitter. Criteria: Ambry Variant Classification Scheme 2023. Collection method: clinical testing. Allele origin: germline.

Genetic Services Laboratory, University of Chicago
Classification: Likely benign. Last evaluated: 2022-05-11. Review status: no assertion criteria provided. Collection method: clinical testing. Allele origin: germline. Affected: no. Not counted in ClinVar's aggregate classification.

PreventionGenetics, part of Exact Sciences
Classification: Likely benign for ALK-related condition. Last evaluated: 2020-02-11. Review status: no assertion criteria provided. Collection method: clinical testing. Allele origin: germline. Not counted in ClinVar's aggregate classification.
Comment: This variant is classified as likely benign based on ACMG/AMP sequence variant interpretation guidelines (Richards et al. 2015 PMID: 25741868, with internal and published modifications).

Genome Diagnostics Laboratory, Amsterdam University Medical Center
Classification: Benign for Neuroblastoma, susceptibility to, 3. Last evaluated: 2015-12-23. Review status: no assertion criteria provided. Criteria: ACGS Guidelines, 2013. Collection method: clinical testing. Allele origin: germline. Affected: yes. Study: VKGL Data-share Consensus. Not counted in ClinVar's aggregate classification.

Clinical Genetics DNA and cytogenetics Diagnostics Lab, Erasmus MC, Erasmus Medical Center
Classification: Likely benign. Review status: no assertion criteria provided. Collection method: clinical testing. Allele origin: germline. Affected: yes. Study: VKGL Data-share Consensus. Not counted in ClinVar's aggregate classification.

Diagnostic Laboratory, Department of Genetics, University Medical Center Groningen
Classification: Likely benign for Neuroblastoma, susceptibility to, 3. Review status: no assertion criteria provided. Collection method: clinical testing. Allele origin: germline. Affected: yes. Study: VKGL Data-share Consensus. Not counted in ClinVar's aggregate classification.

Joint Genome Diagnostic Labs from Nijmegen and Maastricht, Radboudumc and MUMC+
Classification: Benign. Review status: no assertion criteria provided. Collection method: clinical testing. Allele origin: germline. Affected: yes. Study: VKGL Data-share Consensus. Not counted in ClinVar's aggregate classification.